The following is an entry in ClinVar:

NM_000170.3(GLDC):c.850C>G (p.His284Asp)

Gene: GLDC (glycine decarboxylase; minus strand). Cytogenetic location: 9p24.1.
Variant type: single nucleotide variant.
Coding change: c.850C>G on transcript NM_000170.3 (MANE Select); coding-DNA position 850, C replaced by G.
Protein change: p.His284Asp; replaces histidine 284 with aspartic acid.
Molecular consequence: missense variant.
Genome position (GRCh38, 1-based): chr9:6,605,142, G>C on the plus strand (C>G on the coding strand, the complement: GLDC is on the minus strand). VCF-style: chr9-6605142-G-C. GRCh37 (hg19) VCF-style: chr9-6605142-G-C.
Other names: short protein forms H284D.
Identifiers: ClinVar variation 4691805 (VCV004691805.1).
Genomic context (GRCh38, chr9:6,605,142, plus strand): 5'-CAAGTTGGGATACGCCTCCACGGACCCCCCACAAGAAAGGTATACCTACCCCACTCTGAT[G>C]AGCTCTCTCCACGAGTTCCGTAAAGTCTTCCACCTTCCCCTCCGTGTCTGGGTACTGGAA-3'
Protein context (NP_000161.2, residues 274-294): EDFTELVERA[His284Asp]QSGSLACCAT

ClinVar aggregate classification (germline): Likely pathogenic (1 of 4 stars; one submission).

Conditions:
Glycine encephalopathy. Also called: Nonketotic hyperglycinemia; Non-ketotic hyperglycinemia. Identifiers: Orphanet 407, MedGen C0751748, MONDO:0011612, HP:0008288.

gnomAD v4.1: 1 of 1,612,542 alleles (0.000062%); highest among the groups gnomAD compares: Admixed American, 0.0017%; no homozygotes.

Submission:

Labcorp Genetics (formerly Invitae), Labcorp
Classification: Likely pathogenic for Glycine encephalopathy. Last evaluated: 2025-06-04. Review status: criteria provided, single submitter. Criteria: Invitae Variant Classification Sherloc (09022015). Collection method: clinical testing. Allele origin: germline.
Comment: This sequence change replaces histidine, which is basic and polar, with aspartic acid, which is acidic and polar, at codon 284 of the GLDC protein (p.His284Asp). This variant is not present in population databases (gnomAD no frequency). This variant has not been reported in the literature in individuals affected with GLDC-related conditions. Invitae Evidence Modeling of protein sequence and biophysical properties (such as structural, functional, and spatial information, amino acid conservation, physicochemical variation, residue mobility, and thermodynamic stability) indicates that this missense variant is expected to disrupt GLDC protein function with a positive predictive value of 95%. This variant disrupts the p.His284 amino acid residue in GLDC. Other variant(s) that disrupt this residue have been determined to be pathogenic (PMID: 27362913). This suggests that this residue is clinically significant, and that variants that disrupt this residue are likely to be disease-causing. In summary, the currently available evidence indicates that the variant is pathogenic, but additional data are needed to prove that conclusively. Therefore, this variant has been classified as Likely Pathogenic.

Literature cited by the submitters: PubMed 27362913.